The following is an entry in ClinVar:

NM_000222.3(KIT):c.955A>G (p.Ile319Val)

Gene: KIT (KIT proto-oncogene, receptor tyrosine kinase; plus strand). Cytogenetic location: 4q12.
Variant type: single nucleotide variant.
Coding change: c.955A>G on transcript NM_000222.3 (MANE Select); coding-DNA position 955, A replaced by G.
Protein change: p.Ile319Val; replaces isoleucine 319 with valine.
Molecular consequence: missense variant.
Genome position (GRCh38, 1-based): chr4:54,707,127, A>G. VCF-style: chr4-54707127-A-G. GRCh37 (hg19) VCF-style: chr4-55573293-A-G.
Other names: c.955A>G, p.Ile319Val (NM_001093772.2, NM_001385285.1, NM_001385286.1); c.958A>G, p.Ile320Val (NM_001385284.1, NM_001385288.1, NM_001385290.1 and 1 more transcripts); short protein forms I320V, I319V.
Identifiers: ClinVar variation 1414907 (VCV001414907.10), dbSNP rs2109705059, ClinGen allele CA356900776.

ClinVar aggregate classification (germline): Uncertain significance. Review status: criteria provided, multiple submitters, no conflicts (2 of 4 stars). 2 submissions from 2 submitters: Uncertain significance (2). Last evaluated 2024-05-20.

Conditions:
Hereditary cancer-predisposing syndrome. Also called: Tumor predisposition; Hereditary Cancer Syndrome; Hereditary neoplastic syndrome; Neoplastic Syndromes, Hereditary. Identifiers: Orphanet 140162, MedGen C0027672, MeSH D009386, MONDO:0015356.
Gastrointestinal stromal tumor. Also called: Gastrointestinal stroma tumor; Gastrointestinal stromal tumor, somatic. Identifiers: Orphanet 44890, MedGen C0238198, MeSH D046152, MONDO:0011719, OMIM 606764, HP:0100723.

Submissions (2):

Labcorp Genetics (formerly Invitae), Labcorp
Classification: Uncertain significance for Gastrointestinal stromal tumor. Last evaluated: 2024-05-20. Review status: criteria provided, single submitter. Criteria: Invitae Variant Classification Sherloc (09022015). Collection method: clinical testing. Allele origin: germline.
Comment: This sequence change replaces isoleucine, which is neutral and non-polar, with valine, which is neutral and non-polar, at codon 319 of the KIT protein (p.Ile319Val). This variant is not present in population databases (gnomAD no frequency). This variant has not been reported in the literature in individuals affected with KIT-related conditions. ClinVar contains an entry for this variant (Variation ID: 1414907). Algorithms developed to predict the effect of missense changes on protein structure and function output the following: SIFT: "Not Available"; PolyPhen-2: "Benign"; Align-GVGD: "Not Available". The valine amino acid residue is found in multiple mammalian species, which suggests that this missense change does not adversely affect protein function. In summary, the available evidence is currently insufficient to determine the role of this variant in disease. Therefore, it has been classified as a Variant of Uncertain Significance.

Ambry Genetics
Classification: Uncertain significance for Hereditary cancer-predisposing syndrome. Last evaluated: 2022-09-04. Review status: criteria provided, single submitter. Criteria: Ambry Variant Classification Scheme 2023. Collection method: clinical testing. Allele origin: germline.
Comment: The p.I319V variant (also known as c.955A>G), located in coding exon 6 of the KIT gene, results from an A to G substitution at nucleotide position 955. The isoleucine at codon 319 is replaced by valine, an amino acid with highly similar properties. This amino acid position is conserved. In addition, this alteration is predicted to be tolerated by in silico analysis. Since supporting evidence is limited at this time, the clinical significance of this alteration remains unclear.